The following is an entry in ClinVar:

NM_001254.4(CDC6):c.436T>C (p.Cys146Arg)

Gene: CDC6 (cell division cycle 6; plus strand). Cytogenetic location: 17q21.2.
Variant type: single nucleotide variant.
Coding change: c.436T>C on transcript NM_001254.4 (MANE Select); coding-DNA position 436, T replaced by C.
Protein change: p.Cys146Arg; replaces cysteine 146 with arginine.
Molecular consequence: missense variant.
Genome position (GRCh38, 1-based): chr17:40,291,315, T>C. VCF-style: chr17-40291315-T-C. GRCh37 (hg19) VCF-style: chr17-38447567-T-C.
Other names: c.436T>C (NM_001254.3); short protein forms C146R.
Identifiers: ClinVar variation 2908876 (VCV002908876.4), dbSNP rs2032758309, ClinGen allele CA399327725.

ClinVar aggregate classification (germline): Conflicting classifications of pathogenicity. Review status: criteria provided, conflicting classifications (1 of 4 stars). 2 submissions from 2 submitters: Uncertain significance (1); Likely benign (1). Last evaluated 2025-05-06.

Allele frequency attached by ClinVar (database versions not stated): gnomAD exomes below 0.00001.
gnomAD v4.1: 1 of 1,614,222 alleles (0.000062%); highest among the groups gnomAD compares: East Asian, 0.0022%; no homozygotes.

Submissions (2):

Ambry Genetics
Classification: Likely benign. Last evaluated: 2025-05-06. Review status: criteria provided, single submitter. Criteria: Ambry Variant Classification Scheme 2023. Collection method: clinical testing. Allele origin: germline.

Labcorp Genetics (formerly Invitae), Labcorp
Classification: Uncertain significance. Last evaluated: 2023-04-23. Review status: criteria provided, single submitter. Criteria: Invitae Variant Classification Sherloc (09022015). Collection method: clinical testing. Allele origin: germline.
Comment: In summary, the available evidence is currently insufficient to determine the role of this variant in disease. Therefore, it has been classified as a Variant of Uncertain Significance. Algorithms developed to predict the effect of missense changes on protein structure and function output the following: SIFT: "Not Available"; PolyPhen-2: "Benign"; Align-GVGD: "Not Available". The arginine amino acid residue is found in multiple mammalian species, which suggests that this missense change does not adversely affect protein function. This variant has not been reported in the literature in individuals affected with CDC6-related conditions. This variant is not present in population databases (gnomAD no frequency). This sequence change replaces cysteine, which is neutral and slightly polar, with arginine, which is basic and polar, at codon 146 of the CDC6 protein (p.Cys146Arg).